The following is an entry in ClinVar:

ClinVar aggregate classification (germline): Uncertain significance (1 of 4 stars; one submission).

gnomAD v4.1: 1 of 1,556,484 alleles (0.000064%); highest among the groups gnomAD compares: Admixed American, 0.0019%; no homozygotes.

Submission:

GeneDx
Classification: Uncertain significance. Last evaluated: 2024-09-18. Review status: criteria provided, single submitter. Criteria: GeneDx Variant Classification Process June 2021. Collection method: clinical testing. Allele origin: germline. Affected: yes.
Comment: Not observed at significant frequency in large population cohorts (gnomAD); In silico analysis supports that this missense variant has a deleterious effect on protein structure/function; Has not been previously published as pathogenic or benign to our knowledge

NM_000742.4(CHRNA2):c.296A>T (p.Asp99Val)

Gene: CHRNA2 (cholinergic receptor nicotinic alpha 2 subunit; minus strand). Cytogenetic location: 8p21.2.
Variant type: single nucleotide variant.
Coding change: c.296A>T on transcript NM_000742.4 (MANE Select); coding-DNA position 296, A replaced by T.
Protein change: p.Asp99Val; replaces aspartic acid 99 with valine.
Molecular consequence: missense variant. On other transcripts: 5 prime UTR variant (4).
Genome position (GRCh38, 1-based): chr8:27,469,378, T>A on the plus strand (A>T on the coding strand, the complement: CHRNA2 is on the minus strand). VCF-style: chr8-27469378-T-A. GRCh37 (hg19) VCF-style: chr8-27326895-T-A.
Other names: c.251A>T, p.Asp84Val (NM_001282455.2); c.-177A>T (NM_001347705.2, NM_001347706.2); c.-163A>T (NM_001347707.2); c.-166A>T (NM_001347708.2); short protein forms D84V, D99V.
Identifiers: ClinVar variation 3774159 (VCV003774159.1).